The following is an entry in ClinVar:

NM_148894.3(BOD1L1):c.6295C>G (p.Leu2099Val)

Gene: BOD1L1 (biorientation of chromosomes in cell division 1 like 1; minus strand). Cytogenetic location: 4p15.33.
Variant type: single nucleotide variant.
Coding change: c.6295C>G on transcript NM_148894.3 (MANE Select); coding-DNA position 6295, C replaced by G.
Protein change: p.Leu2099Val; replaces leucine 2099 with valine.
Molecular consequence: missense variant.
Genome position (GRCh38, 1-based): chr4:13,600,605, G>C on the plus strand (C>G on the coding strand, the complement: BOD1L1 is on the minus strand). VCF-style: chr4-13600605-G-C. GRCh37 (hg19) VCF-style: chr4-13602229-G-C.
Other names: NC_000004.11:g.13602229G>C; short protein forms L2099V.
Identifiers: ClinVar variation 2654677 (VCV002654677.25), dbSNP rs144175591, ClinGen allele CA2861314.
Genomic context (GRCh38, chr4:13,600,605, plus strand): 5'-TGGGGGCCTCAAATTCTTCTGTGGTTACTCTGGTACCTTCCATATTTTCTTCAGTTCTCA[G>C]AGCATCTGAGAGACCTCCTTCCACATCTGTAATTGCGCTTACCTGAGGGGTGTAATCATT-3'
Protein context (NP_683692.2, residues 2089-2109): TDVEGGLSDA[Leu2099Val]RTEENMEGTR

ClinVar aggregate classification (germline): Likely benign (1 of 4 stars; one submission).

Allele frequency attached by ClinVar (database versions not stated): 1000 Genomes Project 0.00140; 1000 Genomes Project 30x 0.00141; TOPMed 0.00290; ESP Exome Variant Server 0.00315; gnomAD 0.00327; ExAC 0.00359; gnomAD exomes 0.00492.
gnomAD v4.1: 7,618 of 1,613,752 alleles (0.47%); highest among the groups gnomAD compares: Non-Finnish European, 0.56%; 30 homozygotes.

Submissions (4):

CeGaT Center for Human Genetics Tuebingen
Classification: Likely benign. Last evaluated: 2023-04-01. Review status: criteria provided, single submitter. Criteria: CeGaT Center For Human Genetics Tuebingen Variant Classification Criteria Version 2. Collection method: clinical testing. Allele origin: germline. Affected: yes. Observed: 1 variant allele.
Comment: BOD1L1: BP4, BS2

Dr. Peter K. Rogan Lab, Western University
No classification provided (evidence only). Condition: Clear cell carcinoma of kidney. Review status: no classification provided. Collection method: in vitro. Allele origin: not applicable. Functional consequence: retained intron. Not counted in ClinVar's aggregate classification.

Dr. Peter K. Rogan Lab, Western University
No classification provided (evidence only). Condition: Familial cancer of breast. Review status: no classification provided. Collection method: in vitro. Allele origin: not applicable. Functional consequence: retained intron. Not counted in ClinVar's aggregate classification.

Dr. Peter K. Rogan Lab, Western University
No classification provided (evidence only). Condition: Familial cancer of breast. Review status: no classification provided. Collection method: in vitro. Allele origin: not applicable. Functional consequence: retained intron. Not counted in ClinVar's aggregate classification.